The following is an entry in ClinVar:

NM_005144.5(HR):c.2347G>A (p.Val783Ile)

Gene: HR (HR lysine demethylase and nuclear receptor corepressor; minus strand). Cytogenetic location: 8p21.3.
Variant type: single nucleotide variant.
Coding change: c.2347G>A on transcript NM_005144.5 (MANE Select); coding-DNA position 2347, G replaced by A.
Protein change: p.Val783Ile; replaces valine 783 with isoleucine.
Molecular consequence: missense variant.
Genome position (GRCh38, 1-based): chr8:22,121,085, C>T on the plus strand (G>A on the coding strand, the complement: HR is on the minus strand). VCF-style: chr8-22121085-C-T. GRCh37 (hg19) VCF-style: chr8-21978598-C-T.
Other names: c.2347G>A, p.Val783Ile (NM_018411.4); short protein forms V783I.
Identifiers: ClinVar variation 4691629 (VCV004691629.1).

ClinVar aggregate classification (germline): Uncertain significance (1 of 4 stars; one submission).

Submission:

Labcorp Genetics (formerly Invitae), Labcorp
Classification: Uncertain significance. Last evaluated: 2025-06-17. Review status: criteria provided, single submitter. Criteria: Invitae Variant Classification Sherloc (09022015). Collection method: clinical testing. Allele origin: germline.
Comment: This sequence change replaces valine, which is neutral and non-polar, with isoleucine, which is neutral and non-polar, at codon 783 of the HR protein (p.Val783Ile). This variant is present in population databases (rs766897426, gnomAD 0.01%). This variant has not been reported in the literature in individuals affected with HR-related conditions. An algorithm developed to predict the effect of missense changes on protein structure and function (PolyPhen-2) suggests that this variant is likely to be disruptive. In summary, the available evidence is currently insufficient to determine the role of this variant in disease. Therefore, it has been classified as a Variant of Uncertain Significance.